The following is an entry in ClinVar:

NM_000094.4(COL7A1):c.960C>T (p.Ser320=)

Gene: COL7A1 (collagen type VII alpha 1 chain; minus strand). Cytogenetic location: 3p21.31.
Variant type: single nucleotide variant.
Coding change: c.960C>T on transcript NM_000094.4 (MANE Select); coding-DNA position 960, C replaced by T.
Protein change: p.Ser320=; no amino-acid change (serine 320 retained).
Molecular consequence: synonymous variant.
Genome position (GRCh38, 1-based): chr3:48,592,586, G>A on the plus strand (C>T on the coding strand, the complement: COL7A1 is on the minus strand). VCF-style: chr3-48592586-G-A. GRCh37 (hg19) VCF-style: chr3-48630019-G-A.
Identifiers: ClinVar variation 737259 (VCV000737259.11), dbSNP rs141801873, ClinGen allele CA2381392.
Genomic context (GRCh38, chr3:48,592,586, plus strand): 5'-CGGGGGTTAGGTGAATGGGGTCAGAGGCTGGCAGAATTGCTCACTGGTCCGAGCTGTCCC[G>A]CTCACAGCCTCCCCGATGCTGTTGGCGTAGAGGGCAATCACAGTCACTTGGTACTCGGTC-3'
Protein context (NP_000085.1, residues 310-330): LYANSIGEAV[Ser320=]GTARTTALEG

ClinVar aggregate classification (germline): Conflicting classifications of pathogenicity. Review status: criteria provided, conflicting classifications (1 of 4 stars). 3 submissions from 3 submitters: Uncertain significance (2); Likely benign (1). Last evaluated 2026-04-20.

Conditions:
COL7A1-related disorder. Also called: COL7A1-related condition; COL7A1- related disorders.

Allele frequency attached by ClinVar (database versions not stated): gnomAD exomes 0.00005; ExAC 0.00007; gnomAD 0.00007; ESP Exome Variant Server 0.00008; TOPMed 0.00009.
gnomAD v4.1: 69 of 1,613,848 alleles (0.0043%); highest among the groups gnomAD compares: Non-Finnish European, 0.0051%; no homozygotes.

Submissions (3):

PreventionGenetics, part of Exact Sciences
Classification: Uncertain significance for COL7A1-related condition. Last evaluated: 2026-04-20. Review status: criteria provided, single submitter. Criteria: ACMG Guidelines, 2015. Collection method: clinical testing. Allele origin: germline.
Comment: The COL7A1 c.960C>T variant is not predicted to result in an amino acid change (p.=). This variant is predicted to alter splicing based on available splicing prediction software (SpliceAI, Jaganathan et al. 2019. PubMed ID: 30661751). However, the use of computer prediction softwares is not equivalent to functional evidence. To our knowledge, this variant has not been reported in the literature. This variant is reported in 0.010% of alleles in individuals of European (Non-Finnish) descent in gnomAD. At this time, the clinical significance of this variant is uncertain due to the absence of conclusive functional and genetic evidence.

Labcorp Genetics (formerly Invitae), Labcorp
Classification: Likely benign. Last evaluated: 2025-10-26. Review status: criteria provided, single submitter. Criteria: Invitae Variant Classification Sherloc (09022015). Collection method: clinical testing. Allele origin: germline.

Blueprint Genetics
Classification: Uncertain significance. Last evaluated: 2024-08-30. Review status: criteria provided, single submitter. Criteria: ACMG Guidelines, 2015. Collection method: clinical testing. Allele origin: germline.